The following is an entry in ClinVar:

ClinVar aggregate classification (germline): Conflicting classifications of pathogenicity. Review status: criteria provided, conflicting classifications (1 of 4 stars). 2 submissions from 2 submitters: Pathogenic (1); Uncertain significance (1). Last evaluated 2023-05-24.

Conditions:
Desmin-related myofibrillar myopathy (MFM1). Also called: Desminopathy; MYOFIBRILLAR MYOPATHY WITH ARRHYTHMOGENIC RIGHT VENTRICULAR CARDIOMYOPATHY; DESMIN-RELATED MYOPATHY WITH ARRHYTHMOGENIC RIGHT VENTRICULAR CARDIOMYOPATHY; Myofibrillar myopathy 1; Desmin related myopathy (former name); Desmin storage myopathy (former name). Identifiers: Orphanet 363543, Orphanet 98909, MedGen C1832370, MONDO:0011076, OMIM 601419.

Allele frequency attached by ClinVar (database versions not stated): gnomAD exomes below 0.00001 and 0.00001; ExAC 0.00007.

Submissions (2):

Labcorp Genetics (formerly Invitae), Labcorp
Classification: Pathogenic for Desmin-related myofibrillar myopathy. Last evaluated: 2023-05-24. Review status: criteria provided, single submitter. Criteria: Invitae Variant Classification Sherloc (09022015). Collection method: clinical testing. Allele origin: germline.
Comment: This sequence change creates a premature translational stop signal (p.Ile123Metfs*18) in the DES gene. It is expected to result in an absent or disrupted protein product. Loss-of-function variants in DES are known to be pathogenic (PMID: 23575897). For these reasons, this variant has been classified as Pathogenic. ClinVar contains an entry for this variant (Variation ID: 228548). This variant has not been reported in the literature in individuals affected with DES-related conditions. This variant is present in population databases (rs747289875, gnomAD 0.008%).

Laboratory for Molecular Medicine, Mass General Brigham Personalized Medicine
Classification: Uncertain significance. Last evaluated: 2015-02-20. Review status: criteria provided, single submitter. Criteria: LMM Criteria. Collection method: clinical testing. Allele origin: germline. Observed: 1 variant allele.
Comment: Variant classified as Uncertain Significance - Favor Pathogenic. The p.Ile123fs variant in DES has not been previously reported in individuals with cardiomyopat hy, but has been identified in at least 2 South Asian chromosomes by the Exome A ggregation Consortium. However, data from large population studies is insufficie nt to assess the frequency of this variant (ExAC ). This variant is predicted to cause a frameshift, which alters the protein?s a mino acid sequence beginning at position 123 and leads to a premature terminatio n codon 18 amino acids downstream. This alteration is then predicted to lead to a truncated or absent protein. Truncating DES variants have been reported in a n umber of individuals with a range of phenotypes including myopathy, DCM, HCM, an d/or conduction system disease (Park 2000, Dalakas 2000, Schroder 2003, Dunand 2 009, Hong 2010, Wahbi 2012, McLaughlin 2013) and both dominant and recessive mod es of inheritance have been described (Dunand 2009, Wahbi 2012, McLaughlin 2013) . However, the effect of truncating variants in the DES gene has not been fully elucidated. In summary, while there is some suspicion for a pathogenic role, th e clinical significance of the p.Ile123fs variant is uncertain.

Literature cited by the submitters: PubMed 23575897 (cited by Labcorp Genetics (formerly Invitae), Labcorp).

NM_001927.4(DES):c.369del (p.Ile123fs)

Gene: DES (desmin; plus strand). Cytogenetic location: 2q35.
Variant type: Deletion.
Coding change: c.369del on transcript NM_001927.4 (MANE Select); coding-DNA position 369, one base deleted (C; older notation c.369delC).
Protein change: p.Ile123fs; shifts the reading frame from isoleucine 123.
Molecular consequence: frameshift variant.
Genome position (GRCh38, 1-based): chr2:219,418,831, C deleted. VCF-style (leftmost placement, unchanged base first): chr2-219418830-TC-T. GRCh37 (hg19) VCF-style: chr2-220283552-TC-T.
Other names: c.369del (LRG_380t1); short protein forms I123fs.
Identifiers: ClinVar variation 228548 (VCV000228548.10), dbSNP rs747289875, ClinGen allele CA2125058.
Genomic context (GRCh38, chr2:219,418,830, plus strand): 5'-CCACGCGCACCAACGAGAAGGTGGAGCTGCAGGAGCTCAATGACCGCTTCGCCAACTACA[TC>T]GAGAAGGTGCGCTTCCTGGAGCAGCAGAACGCGGCGCTCGCCGCCGAAGTGAACCGGCTC-3'